The following is an entry in ClinVar:

ClinVar aggregate classification (germline): Uncertain significance. Review status: criteria provided, multiple submitters, no conflicts (2 of 4 stars). 4 submissions from 4 submitters: Uncertain significance (4). Last evaluated 2024-09-15.

Conditions:
Cardiovascular phenotype. Identifiers: MedGen CN230736.
Hereditary cancer-predisposing syndrome. Also called: Hereditary Cancer Syndrome; Hereditary neoplastic syndrome; Neoplastic Syndromes, Hereditary; Tumor predisposition. Identifiers: Orphanet 140162, MedGen C0027672, MeSH D009386, MONDO:0015356.
Noonan syndrome 10 (NS10). Identifiers: Orphanet 648, MedGen C4225280, MONDO:0014693, OMIM 616564.
Noonan syndrome 2 (NS2). Identifiers: Orphanet 648, MedGen C1854469, MONDO:0011531, OMIM 605275.
LZTR1-related schwannomatosis. Also called: Schwannomatosis 2; Schwannomatosis-2, susceptibility to. Identifiers: Orphanet 93921, MedGen C3810283, MONDO:0014299, OMIM 615670.

Allele frequency attached by ClinVar (database versions not stated): gnomAD exomes below 0.00001; ExAC 0.00001; TOPMed 0.00001.
gnomAD v4.1: 6 of 1,613,500 alleles (0.00037%); highest among the groups gnomAD compares: Admixed American, 0.0017%; no homozygotes.

Submissions (4):

Labcorp Genetics (formerly Invitae), Labcorp
Classification: Uncertain significance. Last evaluated: 2024-09-15. Review status: criteria provided, single submitter. Criteria: Invitae Variant Classification Sherloc (09022015). Collection method: clinical testing. Allele origin: germline.
Comment: This sequence change falls in intron 6 of the LZTR1 gene. It does not directly change the encoded amino acid sequence of the LZTR1 protein. It affects a nucleotide within the consensus splice site. This variant is present in population databases (rs745541065, gnomAD 0.003%). This variant has not been reported in the literature in individuals affected with LZTR1-related conditions. ClinVar contains an entry for this variant (Variation ID: 1750572). Variants that disrupt the consensus splice site are a relatively common cause of aberrant splicing (PMID: 17576681, 9536098). Algorithms developed to predict the effect of sequence changes on RNA splicing suggest that this variant may disrupt the consensus splice site. In summary, the available evidence is currently insufficient to determine the role of this variant in disease. Therefore, it has been classified as a Variant of Uncertain Significance.

Ambry Genetics
Classification: Uncertain significance for Cardiovascular phenotype; Hereditary cancer-predisposing syndrome. Last evaluated: 2024-08-27. Review status: criteria provided, single submitter. Criteria: Ambry Variant Classification Scheme 2023. Collection method: clinical testing. Allele origin: germline.
Comment: The c.593+5G>A intronic variant results from a G to A substitution 5 nucleotides after coding exon 6 in the LZTR1 gene. This nucleotide position is highly conserved in available vertebrate species. In silico splice site analysis predicts that this alteration may weaken the native splice donor site. Based on the available evidence, the clinical significance of this variant remains unclear.

Fulgent Genetics
Classification: Uncertain significance for Noonan syndrome 2; LZTR1-related schwannomatosis; Noonan syndrome 10. Last evaluated: 2024-04-15. Review status: criteria provided, single submitter. Criteria: ACMG Guidelines, 2015. Collection method: clinical testing. Allele origin: germline.

Baylor Genetics
Classification: Uncertain significance for LZTR1-related schwannomatosis. Last evaluated: 2023-11-29. Review status: criteria provided, single submitter. Criteria: ACMG Guidelines, 2015. Collection method: clinical testing. Allele origin: unknown.

Literature cited by the submitters: PubMed 17576681 (cited by Labcorp Genetics (formerly Invitae), Labcorp); PubMed 9536098 (cited by Labcorp Genetics (formerly Invitae), Labcorp).

NM_006767.4(LZTR1):c.593+5G>A

Gene: LZTR1 (leucine zipper like post translational regulator 1; plus strand). Cytogenetic location: 22q11.21.
Variant type: single nucleotide variant.
Coding change: c.593+5G>A on transcript NM_006767.4 (MANE Select); 5 bases into the intron after coding-DNA position 593, G replaced by A.
Molecular consequence: intron variant.
Genome position (GRCh38, 1-based): chr22:20,988,877, G>A. VCF-style: chr22-20988877-G-A. GRCh37 (hg19) VCF-style: chr22-21343166-G-A.
Identifiers: ClinVar variation 1750572 (VCV001750572.7), dbSNP rs745541065, ClinGen allele CA10118498.